The following is an entry in ClinVar:

NM_000540.3(RYR1):c.1417C>T (p.Arg473Cys)

Gene: RYR1 (ryanodine receptor 1; plus strand). Cytogenetic location: 19q13.2.
Variant type: single nucleotide variant.
Coding change: c.1417C>T on transcript NM_000540.3 (MANE Select); coding-DNA position 1417, C replaced by T.
Protein change: p.Arg473Cys; replaces arginine 473 with cysteine.
Molecular consequence: missense variant.
Genome position (GRCh38, 1-based): chr19:38,452,991, C>T. VCF-style: chr19-38452991-C-T. GRCh37 (hg19) VCF-style: chr19-38943631-C-T.
Other names: c.1417C>T, p.Arg473Cys (NM_001042723.2); short protein forms R473C.
Identifiers: ClinVar variation 4686311 (VCV004686311.1).

ClinVar aggregate classification (germline): Uncertain significance (1 of 4 stars; one submission).

gnomAD v4.1: 4 of 1,613,848 alleles (0.00025%); highest among the groups gnomAD compares: Non-Finnish European, 0.00025%; no homozygotes.

Submission:

GeneDx
Classification: Uncertain significance. Last evaluated: 2025-07-13. Review status: criteria provided, single submitter. Criteria: GeneDx Variant Classification Process June 2021. Collection method: clinical testing. Allele origin: germline. Affected: yes.
Comment: Not observed at significant frequency in large population cohorts (gnomAD); In silico analysis supports that this missense variant has a deleterious effect on protein structure/function; Has not been previously published as pathogenic or benign to our knowledge; This variant is associated with the following publications: (PMID: 33767344)